The following is an entry in ClinVar:

NM_016235.3(GPRC5B):c.69C>T (p.Ile23=)

Gene: GPRC5B (G protein-coupled receptor class C group 5 member B; minus strand). Cytogenetic location: 16p12.3.
Variant type: single nucleotide variant.
Coding change: c.69C>T on transcript NM_016235.3 (MANE Select); coding-DNA position 69, C replaced by T.
Protein change: p.Ile23=; no amino-acid change (isoleucine 23 retained).
Molecular consequence: synonymous variant.
Genome position (GRCh38, 1-based): chr16:19,872,777, G>A on the plus strand (C>T on the coding strand, the complement: GPRC5B is on the minus strand). VCF-style: chr16-19872777-G-A. GRCh37 (hg19) VCF-style: chr16-19884099-G-A.
Other names: c.462C>T, p.Ile154= (NM_001304771.1).
Identifiers: ClinVar variation 4822259 (VCV004822259.4).
Genomic context (GRCh38, chr16:19,872,777, plus strand): 5'-AGGGAGGAGGTCCAGCCCACAGCCTCGGGATGTGCTGGCGTTTTCAGAGGCCACCGAGGT[G>A]ATCACGAAGAGCAGGAGGAAGGTGAGCACCTGGTGAGCTCTCATCTTTCTCTCTGATGCC-3'
Protein context (NP_057319.1, residues 13-33): QVLTFLLLFV[Ile23=]TSVASENAST

ClinVar aggregate classification (germline): Likely benign (1 of 4 stars; one submission).

gnomAD v4.1: 11 of 1,613,702 alleles (0.00068%); highest among the groups gnomAD compares: South Asian, 0.012%; 1 homozygote.

Submission:

CeGaT Center for Human Genetics Tuebingen
Classification: Likely benign. Last evaluated: 2026-03-01. Review status: criteria provided, single submitter. Criteria: CeGaT Center For Human Genetics Tuebingen Variant Classification Criteria Version 2. Collection method: clinical testing. Allele origin: germline. Affected: yes. Observed: 1 variant allele.
Comment: GPRC5B: BP4, BP7